The following is an entry in ClinVar:

NM_001040108.2(MLH3):c.3024G>A (p.Pro1008=)

Gene: MLH3 (mutL homolog 3; minus strand). Cytogenetic location: 14q24.3.
Variant type: single nucleotide variant.
Coding change: c.3024G>A on transcript NM_001040108.2 (MANE Select); coding-DNA position 3024, G replaced by A.
Protein change: p.Pro1008=; no amino-acid change (proline 1008 retained).
Molecular consequence: synonymous variant.
Genome position (GRCh38, 1-based): chr14:75,046,632, C>T on the plus strand (G>A on the coding strand, the complement: MLH3 is on the minus strand). VCF-style: chr14-75046632-C-T. GRCh37 (hg19) VCF-style: chr14-75513335-C-T.
Other names: c.3024G>A, p.Pro1008= (NM_014381.3).
Identifiers: ClinVar variation 1670854 (VCV001670854.11), dbSNP rs1215489414, ClinGen allele CA487273207.

ClinVar aggregate classification (germline): Benign/Likely benign. Review status: criteria provided, multiple submitters, no conflicts (2 of 4 stars). 3 submissions from 3 submitters: Benign (1); Likely benign (2). Last evaluated 2026-05-05.

Conditions:
Colorectal cancer, hereditary nonpolyposis, type 7. Identifiers: Orphanet 144, MedGen C1858380, MONDO:0013725, OMIM 614385.

Allele frequency attached by ClinVar (database versions not stated): gnomAD 0.00001; TOPMed below 0.00001.
gnomAD v4.1: 5 of 1,614,090 alleles (0.00031%); highest among the groups gnomAD compares: Admixed American, 0.0017%; no homozygotes.

Submissions (3):

Myriad Genetics, Inc.
Classification: Benign for Colorectal cancer, hereditary nonpolyposis, type 7. Last evaluated: 2026-05-05. Review status: criteria provided, single submitter. Criteria: Myriad Autosomal Dominant, Autosomal Recessive and X-Linked Classification Criteria (2023). Collection method: clinical testing. Allele origin: unknown.
Comment: This variant is considered benign. This variant is a silent/synonymous amino acid change and it is not expected to impact splicing.

Labcorp Genetics (formerly Invitae), Labcorp
Classification: Likely benign for Colorectal cancer, hereditary nonpolyposis, type 7. Last evaluated: 2022-03-23. Review status: criteria provided, single submitter. Criteria: Invitae Variant Classification Sherloc (09022015). Collection method: clinical testing. Allele origin: germline.

Ambry Genetics
Classification: Likely benign. Last evaluated: 2019-06-16. Review status: criteria provided, single submitter. Criteria: Ambry Variant Classification Scheme 2023. Collection method: clinical testing. Allele origin: germline.